The following is an entry in ClinVar:

ClinVar aggregate classification (germline): Uncertain significance (1 of 4 stars; one submission).

Allele frequency attached by ClinVar (database versions not stated): gnomAD exomes below 0.00001.
gnomAD v4.1: 1 of 1,600,830 alleles (0.000062%); highest among the groups gnomAD compares: Non-Finnish European, 0.000085%; no homozygotes.

Submission:

Labcorp Genetics (formerly Invitae), Labcorp
Classification: Uncertain significance. Last evaluated: 2024-10-16. Review status: criteria provided, single submitter. Criteria: Invitae Variant Classification Sherloc (09022015). Collection method: clinical testing. Allele origin: germline.
Comment: This sequence change replaces tryptophan, which is neutral and slightly polar, with cysteine, which is neutral and slightly polar, at codon 203 of the ACAN protein (p.Trp203Cys). This variant is not present in population databases (gnomAD no frequency). This missense change has been observed in individual(s) with ACAN-related conditions (PMID: 35001504). ClinVar contains an entry for this variant (Variation ID: 1520889). Invitae Evidence Modeling of protein sequence and biophysical properties (such as structural, functional, and spatial information, amino acid conservation, physicochemical variation, residue mobility, and thermodynamic stability) indicates that this missense variant is not expected to disrupt ACAN protein function with a negative predictive value of 80%. In summary, the available evidence is currently insufficient to determine the role of this variant in disease. Therefore, it has been classified as a Variant of Uncertain Significance.

Literature cited by the submitters: PubMed 35001504.

NM_001369268.1(ACAN):c.609G>T (p.Trp203Cys)

Gene: ACAN (aggrecan; plus strand). Cytogenetic location: 15q26.1.
Variant type: single nucleotide variant.
Coding change: c.609G>T on transcript NM_001369268.1 (MANE Select); coding-DNA position 609, G replaced by T.
Protein change: p.Trp203Cys; replaces tryptophan 203 with cysteine.
Molecular consequence: missense variant.
Genome position (GRCh38, 1-based): chr15:88,840,166, G>T. VCF-style: chr15-88840166-G-T. GRCh37 (hg19) VCF-style: chr15-89383397-G-T.
Other names: c.609G>T, p.Trp203Cys (NM_001135.4, NM_013227.4); short protein forms W203C.
Identifiers: ClinVar variation 1520889 (VCV001520889.6), dbSNP rs2141567074, ClinGen allele CA393717284.